The following is an entry in ClinVar:

ClinVar aggregate classification (germline): Uncertain significance (1 of 4 stars; one submission).

gnomAD v4.1: 28 of 1,581,612 alleles (0.0018%); highest among the groups gnomAD compares: South Asian, 0.0069%; no homozygotes.

Submission:

CeGaT Center for Human Genetics Tuebingen
Classification: Uncertain significance. Last evaluated: 2025-11-01. Review status: criteria provided, single submitter. Criteria: CeGaT Center For Human Genetics Tuebingen Variant Classification Criteria Version 2. Collection method: clinical testing. Allele origin: germline. Affected: yes. Observed: 1 variant allele.
Comment: FYB1: PM2, BP4

NM_001465.6(FYB1):c.1293-8G>A

Gene: FYB1 (FYN binding protein 1; minus strand). Cytogenetic location: 5p13.1.
Variant type: single nucleotide variant.
Coding change: c.1293-8G>A on transcript NM_001465.6 (MANE Select); 8 bases into the intron before coding-DNA position 1293, G replaced by A.
Molecular consequence: intron variant.
Genome position (GRCh38, 1-based): chr5:39,141,149, C>T on the plus strand (G>A on the coding strand, the complement: FYB1 is on the minus strand). VCF-style: chr5-39141149-C-T. GRCh37 (hg19) VCF-style: chr5-39141251-C-T.
Other names: c.1323-8G>A (NM_001243093.2, NM_018594.2); c.1293-8G>A (NM_199335.5, NM_001349333.2).
Identifiers: ClinVar variation 4534265 (VCV004534265.6).
Genomic context (GRCh38, chr5:39,141,149, plus strand): 5'-GTTTACCATCAGAGTGCGTGACACCATCTTGATTGTCTTCATTGACAGGGCTTCTGAAAA[C>T]GAGAAAGAAGAAACAGTGAACATGGAACAAGTAGATGCTCACCTTACAATGAAAAAGGGA-3'